The following is an entry in ClinVar:

NM_000038.6(APC):c.3595_3598del (p.Lys1199fs)

Gene: APC (APC regulator of Wnt signaling pathway; plus strand). Cytogenetic location: 5q22.2.
Variant type: Deletion.
Coding change: c.3595_3598del on transcript NM_000038.6 (MANE Select); coding-DNA positions 3595 to 3598, 4 bases deleted (AAGA; older notation c.3595_3598delAAGA).
Protein change: p.Lys1199fs; shifts the reading frame from lysine 1199.
Molecular consequence: frameshift variant. On other transcripts: non-coding transcript variant (2).
Genome position (GRCh38, 1-based): chr5:112,839,189-112,839,192, AAGA deleted; deleting any 4 consecutive bases within chr5:112,839,188-112,839,192 gives the same sequence; the c. name uses the placement nearest the transcript's 3' end. VCF-style (leftmost placement, unchanged base first): chr5-112839187-CAAAG-C. GRCh37 (hg19) VCF-style: chr5-112174884-CAAAG-C.
Other names: c.3595_3598del, p.Lys1199fs (NM_001127510.3, NM_001354895.2, NM_001407450.1); c.3541_3544del, p.Lys1181fs (NM_001127511.3); c.3649_3652del, p.Lys1217fs (NM_001354896.2, NM_001407447.1, NM_001407448.1 and 1 more transcripts); c.3625_3628del, p.Lys1209fs (NM_001354897.2); c.3520_3523del, p.Lys1174fs (NM_001354898.2); c.3511_3514del, p.Lys1171fs (NM_001354899.2); c.3472_3475del, p.Lys1158fs (NM_001354900.2); c.3418_3421del, p.Lys1140fs (NM_001354901.2, NM_001407453.1); and 11 more; short protein forms K1039fs, K1070fs, K1073fs, K1098fs, K1108fs, K1116fs, K1140fs, K1158fs.
Identifiers: ClinVar variation 2583958 (VCV002583958.1), dbSNP rs2533510079, ClinGen allele CA2582341523.

ClinVar aggregate classification (germline): Pathogenic (1 of 4 stars; one submission).

Conditions:
Familial adenomatous polyposis 1 (FAP1). Also called: FAMILIAL ADENOMATOUS POLYPOSIS 1, ATTENUATED; POLYPOSIS, ADENOMATOUS INTESTINAL. Identifiers: MedGen C2713442, MONDO:0021056, OMIM 175100. Disease mechanism: loss of function.

Submission:

Myriad Genetics, Inc.
Classification: Pathogenic for Familial adenomatous polyposis 1. Last evaluated: 2023-05-09. Review status: criteria provided, single submitter. Criteria: Myriad Autosomal Dominant, Autosomal Recessive and X-Linked Classification Criteria (2023). Collection method: clinical testing. Allele origin: unknown.
Comment: This variant is considered pathogenic. This variant creates a frameshift predicted to result in premature protein truncation.